The following is an entry in ClinVar:

NM_178138.6(LHX3):c.1064C>T (p.Pro355Leu)

Gene: LHX3 (LIM homeobox 3; minus strand). Cytogenetic location: 9q34.3.
Variant type: single nucleotide variant.
Coding change: c.1064C>T on transcript NM_178138.6 (MANE Select); coding-DNA position 1064, C replaced by T.
Protein change: p.Pro355Leu; replaces proline 355 with leucine.
Molecular consequence: missense variant.
Genome position (GRCh38, 1-based): chr9:136,197,455, G>A on the plus strand (C>T on the coding strand, the complement: LHX3 is on the minus strand). VCF-style: chr9-136197455-G-A. GRCh37 (hg19) VCF-style: chr9-139089301-G-A.
Other names: c.1031C>T, p.Pro344Leu (NM_001363746.1); c.1079C>T, p.Pro360Leu (NM_014564.5); short protein forms P344L, P360L, P355L.
Identifiers: ClinVar variation 2058576 (VCV002058576.1), dbSNP rs749541215, ClinGen allele CA5330268.

ClinVar aggregate classification (germline): Uncertain significance (1 of 4 stars; one submission).

Allele frequency attached by ClinVar (database versions not stated): gnomAD exomes below 0.00001; TOPMed 0.00001; ExAC 0.00003.
gnomAD v4.1: 1 of 1,580,770 alleles (0.000063%); highest among the groups gnomAD compares: Non-Finnish European, 0.000086%; no homozygotes.

Submission:

Labcorp Genetics (formerly Invitae), Labcorp
Classification: Uncertain significance. Last evaluated: 2022-04-10. Review status: criteria provided, single submitter. Criteria: Invitae Variant Classification Sherloc (09022015). Collection method: clinical testing. Allele origin: germline.
Comment: This sequence change replaces proline, which is neutral and non-polar, with leucine, which is neutral and non-polar, at codon 360 of the LHX3 protein (p.Pro360Leu). This variant is present in population databases (rs749541215, gnomAD 0.004%). This variant has not been reported in the literature in individuals affected with LHX3-related conditions. Algorithms developed to predict the effect of missense changes on protein structure and function are either unavailable or do not agree on the potential impact of this missense change (SIFT: "Not Available"; PolyPhen-2: "Benign"; Align-GVGD: "Not Available"). In summary, the available evidence is currently insufficient to determine the role of this variant in disease. Therefore, it has been classified as a Variant of Uncertain Significance.